The following is an entry in ClinVar:

ClinVar aggregate classification (germline): Uncertain significance. Review status: criteria provided, multiple submitters, no conflicts (2 of 4 stars). 2 submissions from 2 submitters: Uncertain significance (2). Last evaluated 2024-04-12.

Conditions:
Hereditary cancer-predisposing syndrome. Also called: Hereditary Cancer Syndrome; Hereditary neoplastic syndrome; Tumor predisposition; Neoplastic Syndromes, Hereditary. Identifiers: Orphanet 140162, MedGen C0027672, MeSH D009386, MONDO:0015356.
Hereditary breast ovarian cancer syndrome. Also called: BRCA1- and BRCA2-Associated Hereditary Breast and Ovarian Cancer; Hereditary breast and ovarian cancer syndrome; Breast and ovarian cancer; Hereditary breast and ovarian cancer; Hereditary breast and ovarian cancer syndrome (HBOC); Hereditary breast and/or ovarian cancer syndrome. Identifiers: Orphanet 145, MedGen C0677776, MeSH D061325, MONDO:0003582. Disease mechanism: loss of function.

Allele frequency attached by ClinVar (database versions not stated): gnomAD exomes below 0.00001.

Submissions (2):

Ambry Genetics
Classification: Uncertain significance for Hereditary cancer-predisposing syndrome. Last evaluated: 2024-04-12. Review status: criteria provided, single submitter. Criteria: Ambry Variant Classification Scheme 2023. Collection method: clinical testing. Allele origin: germline.
Comment: The p.S1499F variant (also known as c.4496C>T), located in coding exon 13 of the BRCA1 gene, results from a C to T substitution at nucleotide position 4496. The serine at codon 1499 is replaced by phenylalanine, an amino acid with highly dissimilar properties. This amino acid position is not well conserved in available vertebrate species. In addition, the in silico prediction for this alteration is inconclusive. Based on the available evidence, the clinical significance of this variant remains unclear.

Labcorp Genetics (formerly Invitae), Labcorp
Classification: Uncertain significance for Hereditary breast ovarian cancer syndrome. Last evaluated: 2023-04-14. Review status: criteria provided, single submitter. Criteria: Invitae Variant Classification Sherloc (09022015). Collection method: clinical testing. Allele origin: germline.
Comment: In summary, the available evidence is currently insufficient to determine the role of this variant in disease. Therefore, it has been classified as a Variant of Uncertain Significance. Advanced modeling of protein sequence and biophysical properties (such as structural, functional, and spatial information, amino acid conservation, physicochemical variation, residue mobility, and thermodynamic stability) performed at Invitae indicates that this missense variant is not expected to disrupt BRCA1 protein function. This variant has not been reported in the literature in individuals affected with BRCA1-related conditions. This variant is present in population databases (no rsID available, gnomAD 0.004%). This sequence change replaces serine, which is neutral and polar, with phenylalanine, which is neutral and non-polar, at codon 1499 of the BRCA1 protein (p.Ser1499Phe).

NM_007294.4(BRCA1):c.4496C>T (p.Ser1499Phe)

Gene: BRCA1 (BRCA1 DNA repair associated; minus strand). Cytogenetic location: 17q21.31.
Variant type: single nucleotide variant.
Coding change: c.4496C>T on transcript NM_007294.4 (MANE Select); coding-DNA position 4496, C replaced by T.
Protein change: p.Ser1499Phe; replaces serine 1499 with phenylalanine.
Molecular consequence: missense variant. On other transcripts: intron variant (3).
Genome position (GRCh38, 1-based): chr17:43,074,510, G>A on the plus strand (C>T on the coding strand, the complement: BRCA1 is on the minus strand). VCF-style: chr17-43074510-G-A. GRCh37 (hg19) VCF-style: chr17-41226527-G-A.
Other names: c.4283C>T, p.Ser1428Phe (NM_001407571.1, NM_001407894.1, NM_001407895.1 and 12 more transcripts); c.4562C>T, p.Ser1521Phe (NM_001407581.1, NM_001407582.1); c.4559C>T, p.Ser1520Phe (NM_001407583.1, NM_001407585.1, NM_001407587.1 and 1 more transcripts); c.4556C>T, p.Ser1519Phe (NM_001407590.1, NM_001407591.1); c.4496C>T, p.Ser1499Phe (NM_001407593.1, NM_001407594.1, NM_001407596.1 and 8 more transcripts); c.4493C>T, p.Ser1498Phe (NM_001407610.1, NM_001407611.1, NM_001407612.1 and 17 more transcripts); c.4490C>T, p.Ser1497Phe (NM_001407627.1, NM_001407628.1, NM_001407629.1 and 14 more transcripts); c.4487C>T, p.Ser1496Phe (NM_001407644.1, NM_001407645.1); and 71 more; short protein forms S1203F, S1370F, S1386F, S1387F, S1432F, S1455F, S1519F, S1521F.
Identifiers: ClinVar variation 2879621 (VCV002879621.4), dbSNP rs1286565832, ClinGen allele CA10592535.
Genomic context (GRCh38, chr17:43,074,510, plus strand): 5'-TTCTGAAGACTCCCAGAGCAACTGTGCATGTACCACCTATCATCTAATGATGGGCATTTA[G>A]AAGGGGATGACCTAGAAAGATAAATGGAAGGAGAAAACCATCGCCACCAATTGTGAAAGG-3'
Protein context (NP_009225.1, residues 1489-1509): KEPGVERSSP[Ser1499Phe]KCPSLDDRWY